The following is an entry in ClinVar:

ClinVar aggregate classification (germline): Uncertain significance. Review status: criteria provided, multiple submitters, no conflicts (2 of 4 stars). 2 submissions from 2 submitters: Uncertain significance (2). Last evaluated 2025-07-05.

Conditions:
Baller-Gerold syndrome (BGS). Also called: CRANIOSYNOSTOSIS WITH RADIAL DEFECTS. Identifiers: Orphanet 1225, MedGen C0265308, MONDO:0009039, OMIM 218600.
Inborn genetic diseases. Identifiers: MedGen C0950123, MeSH D030342.

Allele frequency attached by ClinVar (database versions not stated): TOPMed below 0.00001; gnomAD 0.00001.
gnomAD v4.1: 2 of 1,578,416 alleles (0.00013%); highest among the groups gnomAD compares: Non-Finnish European, 0.00017%; no homozygotes.

Submissions (2):

Ambry Genetics
Classification: Uncertain significance for Inborn genetic diseases. Last evaluated: 2025-07-05. Review status: criteria provided, single submitter. Criteria: Ambry Variant Classification Scheme 2023. Collection method: clinical testing. Allele origin: germline.
Comment: The p.A649T variant (also known as c.1945G>A), located in coding exon 12 of the RECQL4 gene, results from a G to A substitution at nucleotide position 1945. The alanine at codon 649 is replaced by threonine, an amino acid with similar properties. This amino acid position is conserved. In addition, this alteration is predicted to be tolerated by in silico analysis. Based on the available evidence, the clinical significance of this variant remains unclear.

Labcorp Genetics (formerly Invitae), Labcorp
Classification: Uncertain significance for Baller-Gerold syndrome. Last evaluated: 2023-11-14. Review status: criteria provided, single submitter. Criteria: Invitae Variant Classification Sherloc (09022015). Collection method: clinical testing. Allele origin: germline.
Comment: This sequence change replaces alanine, which is neutral and non-polar, with threonine, which is neutral and polar, at codon 649 of the RECQL4 protein (p.Ala649Thr). This variant is present in population databases (no rsID available, gnomAD 0.007%). This variant has not been reported in the literature in individuals affected with RECQL4-related conditions. ClinVar contains an entry for this variant (Variation ID: 947559). Advanced modeling of protein sequence and biophysical properties (such as structural, functional, and spatial information, amino acid conservation, physicochemical variation, residue mobility, and thermodynamic stability) performed at Invitae indicates that this missense variant is not expected to disrupt RECQL4 protein function with a negative predictive value of 80%. In summary, the available evidence is currently insufficient to determine the role of this variant in disease. Therefore, it has been classified as a Variant of Uncertain Significance.

NM_004260.4(RECQL4):c.1945G>A (p.Ala649Thr)

Gene: RECQL4 (RecQ like helicase 4; minus strand). Cytogenetic location: 8q24.3.
Variant type: single nucleotide variant.
Coding change: c.1945G>A on transcript NM_004260.4 (MANE Select); coding-DNA position 1945, G replaced by A.
Protein change: p.Ala649Thr; replaces alanine 649 with threonine.
Molecular consequence: missense variant.
Genome position (GRCh38, 1-based): chr8:144,514,041, C>T on the plus strand (G>A on the coding strand, the complement: RECQL4 is on the minus strand). VCF-style: chr8-144514041-C-T. GRCh37 (hg19) VCF-style: chr8-145739425-C-T.
Other names: short protein forms A649T.
Identifiers: ClinVar variation 947559 (VCV000947559.7), dbSNP rs1035779304, ClinGen allele CA187684518.
Genomic context (GRCh38, chr8:144,514,041, plus strand): 5'-GGGCTGGCCCGTGGAGGTCAGGCTCTTCAGCCACAGCCAGGTGCTGTGCCACGTCACTGG[C>T]AGTGCGGCGTGTGGCTGTGGCTGTGAGGCCCAGGAAGCAGTGCACGCCCATGCGCTCCCG-3'
Protein context (NP_004251.4, residues 639-659): GLTATATRRT[Ala649Thr]SDVAQHLAVA